The following is an entry in ClinVar:

NM_001365276.2(TNXB):c.810C>G (p.Tyr270Ter)

Gene: TNXB (tenascin XB; minus strand). Cytogenetic location: 6p21.33.
Variant type: single nucleotide variant.
Coding change: c.810C>G on transcript NM_001365276.2 (MANE Select); coding-DNA position 810, C replaced by G.
Protein change: p.Tyr270Ter; replaces tyrosine 270 with a stop codon.
Molecular consequence: nonsense.
Genome position (GRCh38, 1-based): chr6:32,097,043, G>C on the plus strand (C>G on the coding strand, the complement: TNXB is on the minus strand). VCF-style: chr6-32097043-G-C. GRCh37 (hg19) VCF-style: chr6-32064820-G-C.
Other names: c.810C>G, p.Tyr270Ter (NM_001428335.1, NM_019105.8); short protein forms Y270*.
Identifiers: ClinVar variation 5016192 (VCV005016192.1).
Genomic context (GRCh38, chr6:32,097,043, plus strand): 5'-ACAGCGCCCCCTCTGACTGCAACCGCGAGGGCAGCTCCTCATGCCACAGTCGTCACCAGT[G>C]TAGCCTGGGTCACACACGCAGCGCCCACCCTCACAGCGTCCCCTCTGGCTGCAACCTCGA-3'

ClinVar aggregate classification (germline): Pathogenic (1 of 4 stars; one submission).

Conditions:
Ehlers-Danlos syndrome due to tenascin-X deficiency (EDSCLL1). Also called: EDS DUE TO TNX DEFICIENCY; TNX DEFICIENCY; Ehlers-Danlos syndrome, classic-like, 1; EHLERS-DANLOS SYNDROME, CLASSIC-LIKE; TNXB-Related Classical-Like Ehlers-Danlos Syndrome. Identifiers: Orphanet 230839, MedGen C1848029, MONDO:0011670, OMIM 606408.

Submission:

Myriad Genetics, Inc.
Classification: Pathogenic for Ehlers-Danlos syndrome due to tenascin-X deficiency. Last evaluated: 2026-08-02. Review status: criteria provided, single submitter. Criteria: Myriad Autosomal Dominant, Autosomal Recessive and X-Linked Classification Criteria (2023). Collection method: clinical testing. Allele origin: unknown.
Comment: NM_019105.6(TNXB):c.810C>G(Y270*) is expected to be pathogenic in the context of classical-like Ehlers-Danlos syndrome, TNXB-related. This variant is predicted to lead to an abnormal or absent protein product due to the creation of a premature termination codon in TNXB, a gene where loss-of-function variants are known to be pathogenic. Please note: this variant was assessed in the context of healthy population screening.